The following is an entry in ClinVar:

NM_002401.5(MAP3K3):c.91A>G (p.Met31Val)

Gene: MAP3K3 (mitogen-activated protein kinase kinase kinase 3; plus strand). Cytogenetic location: 17q23.3.
Variant type: single nucleotide variant.
Coding change: c.91A>G on transcript NM_002401.5 (MANE Select); coding-DNA position 91, A replaced by G.
Protein change: p.Met31Val; replaces methionine 31 with valine.
Molecular consequence: missense variant.
Genome position (GRCh38, 1-based): chr17:63,632,767, A>G. VCF-style: chr17-63632767-A-G. GRCh37 (hg19) VCF-style: chr17-61710127-A-G.
Other names: c.91A>G, p.Met31Val (NM_001330431.2, NM_001363768.2, NM_203351.3); short protein forms M31V.
Identifiers: ClinVar variation 3600427 (VCV003600427.1).

ClinVar aggregate classification (germline): Uncertain significance (1 of 4 stars; one submission).

Conditions:
Cerebral cavernous malformations 5. Identifiers: MedGen C5975541, MONDO:0975952, OMIM 621032.

gnomAD v4.1: 1 of 1,614,060 alleles (0.000062%); highest among the groups gnomAD compares: Non-Finnish European, 0.000085%; no homozygotes.

Submission:

Clinical Genomics Laboratory, Washington University in St. Louis
Classification: Uncertain significance for Cerebral cavernous malformations 5. Last evaluated: 2024-10-23. Review status: criteria provided, single submitter. Criteria: ACMG Guidelines, 2015. Collection method: clinical testing. Allele origin: germline.
Comment: A MAP3K3 c.91A>G (p.Met31Val) variant was identified at a near heterozygous allelic fraction of 46.32%, a frequency which may be consistent with it being of germline origin. This variant, to our knowledge, has not been reported in the medical literature and is only observed on 1/1,614,060 alleles in the general population (gnomAD v4.1.0), indicating that it is not a common variant. Computational predictors suggest that this variant does not impact MAP3K3 function. Due to limited information, and based on ACMG/AMP guidelines for variant interpretation (Richards S et al., PMID: 25741868), the clinical significance of this variant is uncertain at this time.